The following is an entry in ClinVar:

ClinVar aggregate classification (germline): Uncertain significance (1 of 4 stars; one submission).

Submission:

Labcorp Genetics (formerly Invitae), Labcorp
Classification: Uncertain significance. Last evaluated: 2024-05-15. Review status: criteria provided, single submitter. Criteria: Invitae Variant Classification Sherloc (09022015). Collection method: clinical testing. Allele origin: germline.
Comment: This sequence change replaces glutamic acid, which is acidic and polar, with glycine, which is neutral and non-polar, at codon 2225 of the PCLO protein (p.Glu2225Gly). This variant is not present in population databases (gnomAD no frequency). This variant has not been reported in the literature in individuals affected with PCLO-related conditions. ClinVar contains an entry for this variant (Variation ID: 1473968). Algorithms developed to predict the effect of missense changes on protein structure and function output the following: SIFT: "Not Available"; PolyPhen-2: "Not Available"; Align-GVGD: "Not Available". The glycine amino acid residue is found in multiple mammalian species, which suggests that this missense change does not adversely affect protein function. In summary, the available evidence is currently insufficient to determine the role of this variant in disease. Therefore, it has been classified as a Variant of Uncertain Significance.

NM_033026.6(PCLO):c.6674A>G (p.Glu2225Gly)

Gene: PCLO (piccolo presynaptic cytomatrix protein; minus strand). Cytogenetic location: 7q21.11.
Variant type: single nucleotide variant.
Coding change: c.6674A>G on transcript NM_033026.6 (MANE Select); coding-DNA position 6674, A replaced by G.
Protein change: p.Glu2225Gly; replaces glutamic acid 2225 with glycine.
Molecular consequence: missense variant.
Genome position (GRCh38, 1-based): chr7:82,954,279, T>C on the plus strand (A>G on the coding strand, the complement: PCLO is on the minus strand). VCF-style: chr7-82954279-T-C. GRCh37 (hg19) VCF-style: chr7-82583595-T-C.
Other names: c.6674A>G, p.Glu2225Gly (NM_014510.3); short protein forms E2225G.
Identifiers: ClinVar variation 1473968 (VCV001473968.8), dbSNP rs2116445294, ClinGen allele CA367918635.